The following is an entry in ClinVar:

ClinVar aggregate classification (germline): Uncertain significance (1 of 4 stars; one submission).

Conditions:
Inborn genetic diseases. Identifiers: MedGen C0950123, MeSH D030342.

Submission:

Ambry Genetics
Classification: Uncertain significance for Inborn genetic diseases. Last evaluated: 2025-06-07. Review status: criteria provided, single submitter. Criteria: Ambry Variant Classification Scheme 2023. Collection method: clinical testing. Allele origin: germline.
Comment: The p.Q1398R variant (also known as c.4193A>G), located in coding exon 29 of the ANKRD26 gene, results from an A to G substitution at nucleotide position 4193. The glutamine at codon 1398 is replaced by arginine, an amino acid with highly similar properties. This amino acid position is conserved. In addition, this alteration is predicted to be tolerated by in silico analysis. Based on the available evidence, the clinical significance of this variant remains unclear.

NM_014915.3(ANKRD26):c.4193A>G (p.Gln1398Arg)

Gene: ANKRD26 (ankyrin repeat domain containing 26; minus strand). Cytogenetic location: 10p12.1.
Variant type: single nucleotide variant.
Coding change: c.4193A>G on transcript NM_014915.3 (MANE Select); coding-DNA position 4193, A replaced by G.
Protein change: p.Gln1398Arg; replaces glutamine 1398 with arginine.
Molecular consequence: missense variant.
Genome position (GRCh38, 1-based): chr10:27,022,580, T>C on the plus strand (A>G on the coding strand, the complement: ANKRD26 is on the minus strand). VCF-style: chr10-27022580-T-C. GRCh37 (hg19) VCF-style: chr10-27311509-T-C.
Other names: c.4190A>G, p.Gln1397Arg (NM_001256053.2); short protein forms Q1397R, Q1398R.
Identifiers: ClinVar variation 3915120 (VCV003915120.1).